The following is an entry in ClinVar:

NM_032237.5(POMK):c.3G>C (p.Met1Ile)

Gene: POMK (protein O-mannose kinase; plus strand). Cytogenetic location: 8p11.21.
Variant type: single nucleotide variant.
Coding change: c.3G>C on transcript NM_032237.5 (MANE Select); coding-DNA position 3, G replaced by C.
Protein change: p.Met1Ile; changes the start codon (methionine 1).
Molecular consequence: missense variant, initiator codon variant.
Genome position (GRCh38, 1-based): chr8:43,103,551, G>C. VCF-style: chr8-43103551-G-C. GRCh37 (hg19) VCF-style: chr8-42958694-G-C.
Other names: c.3G>C, p.Met1Ile (NM_001277971.2); short protein forms M1I.
Identifiers: ClinVar variation 1047054 (VCV001047054.4), dbSNP rs757689822, ClinGen allele CA4736163.
Genomic context (GRCh38, chr8:43,103,551, plus strand): 5'-TGACTGTCATGACTTCTTGTTTCATTGTGTATTTTAGGAAATTGCAGAGGCCGTCAACAT[G>C]GAAAAGCAGCCCCAGAACAGCAGGAGAGGCCTCGCCCCCCGAGAGGTGCCGCCAGCTGTT-3'
Protein context (NP_115613.1, residues 1-11): [Met1Ile]EKQPQNSRRG

ClinVar aggregate classification (germline): Uncertain significance. Review status: criteria provided, multiple submitters, no conflicts (2 of 4 stars). 2 submissions from 2 submitters: Uncertain significance (2). Last evaluated 2024-06-11.

Conditions:
Limb-girdle muscular dystrophy due to POMK deficiency. Also called: MUSCULAR DYSTROPHY-DYSTROGLYCANOPATHY, LIMB-GIRDLE, POMK-RELATED; Muscular dystrophy-dystroglycanopathy (limb-girdle), type c, 12. Identifiers: Orphanet 445110, MedGen C4015184, MONDO:0014489, OMIM 616094.
Muscular dystrophy-dystroglycanopathy (congenital with brain and eye anomalies), type a, 12 (MDDGA12). Also called: WALKER-WARBURG SYNDROME OR MUSCLE-EYE-BRAIN DISEASE, POMK-RELATED. Identifiers: Orphanet 899, MedGen C3808964, MONDO:0014101, OMIM 615249.

Allele frequency attached by ClinVar (database versions not stated): ExAC 0.00003; gnomAD 0.00001; TOPMed below 0.00001; gnomAD exomes 0.00002 and 0.00004.

Submissions (2):

Revvity Omics, Revvity
Classification: Uncertain significance. Last evaluated: 2024-06-11. Review status: criteria provided, single submitter. Criteria: ACMG Guidelines, 2015. Collection method: clinical testing. Allele origin: germline.

Labcorp Genetics (formerly Invitae), Labcorp
Classification: Uncertain significance for Muscular dystrophy-dystroglycanopathy (congenital with brain and eye anomalies), type a, 12; Limb-girdle muscular dystrophy due to POMK deficiency. Last evaluated: 2022-10-04. Review status: criteria provided, single submitter. Criteria: Invitae Variant Classification Sherloc (09022015). Collection method: clinical testing. Allele origin: germline.
Comment: This sequence change affects the initiator methionine of the POMK mRNA. The next in-frame methionine is located at codon 27. This variant is present in population databases (rs757689822, gnomAD 0.03%). This variant has not been reported in the literature in individuals affected with POMK-related conditions. ClinVar contains an entry for this variant (Variation ID: 1047054). In summary, the available evidence is currently insufficient to determine the role of this variant in disease. Therefore, it has been classified as a Variant of Uncertain Significance.